The following is an entry in ClinVar:

NM_152703.5(SAMD9L):c.316C>T (p.His106Tyr)

Gene: SAMD9L (sterile alpha motif domain containing 9 like; minus strand). Cytogenetic location: 7q21.2.
Variant type: single nucleotide variant.
Coding change: c.316C>T on transcript NM_152703.5 (MANE Select); coding-DNA position 316, C replaced by T.
Protein change: p.His106Tyr; replaces histidine 106 with tyrosine.
Molecular consequence: missense variant.
Genome position (GRCh38, 1-based): chr7:93,135,656, G>A on the plus strand (C>T on the coding strand, the complement: SAMD9L is on the minus strand). VCF-style: chr7-93135656-G-A. GRCh37 (hg19) VCF-style: chr7-92764969-G-A.
Other names: c.316C>T, p.His106Tyr (NM_001303496.3, NM_001303497.3, NM_001303498.3 and 5 more transcripts); short protein forms H106Y.
Identifiers: ClinVar variation 3949960 (VCV003949960.1).

ClinVar aggregate classification (germline): Uncertain significance (1 of 4 stars; one submission).

Conditions:
Inborn genetic diseases. Identifiers: MedGen C0950123, MeSH D030342.

Submission:

Ambry Genetics
Classification: Uncertain significance for Inborn genetic diseases. Last evaluated: 2025-05-25. Review status: criteria provided, single submitter. Criteria: Ambry Variant Classification Scheme 2023. Collection method: clinical testing. Allele origin: germline.
Comment: The p.H106Y variant (also known as c.316C>T), located in coding exon 1 of the SAMD9L gene, results from a C to T substitution at nucleotide position 316. The histidine at codon 106 is replaced by tyrosine, an amino acid with similar properties. This amino acid position is conserved. In addition, this alteration is predicted to be tolerated by in silico analysis. Based on the available evidence, the clinical significance of this variant remains unclear.